The following is an entry in ClinVar:

ClinVar aggregate classification (germline): Uncertain significance (1 of 4 stars; one submission).

Conditions:
SEMA3A-related disorder. Also called: SEMA3A-related condition.

gnomAD v4.1: 7 of 1,612,448 alleles (0.00043%); highest among the groups gnomAD compares: Non-Finnish European, 0.00059%; no homozygotes.

Submission:

PreventionGenetics, part of Exact Sciences
Classification: Uncertain significance for SEMA3A-related condition. Last evaluated: 2025-08-21. Review status: criteria provided, single submitter. Criteria: ACMG Guidelines, 2015. Collection method: clinical testing. Allele origin: germline.
Comment: The SEMA3A c.1523G>A variant is predicted to result in the amino acid substitution p.Gly508Glu. To our knowledge, this variant has not been reported in the literature. This variant is reported in 0.00089% of alleles in individuals of European (non-Finnish) descent in gnomAD. At this time, the clinical significance of this variant is uncertain due to the absence of conclusive functional and genetic evidence.

NM_006080.3(SEMA3A):c.1523G>A (p.Gly508Glu)

Gene: SEMA3A (semaphorin 3A; minus strand). Cytogenetic location: 7q21.11.
Variant type: single nucleotide variant.
Coding change: c.1523G>A on transcript NM_006080.3 (MANE Select); coding-DNA position 1523, G replaced by A.
Protein change: p.Gly508Glu; replaces glycine 508 with glutamic acid.
Molecular consequence: missense variant.
Genome position (GRCh38, 1-based): chr7:83,981,450, C>T on the plus strand (G>A on the coding strand, the complement: SEMA3A is on the minus strand). VCF-style: chr7-83981450-C-T. GRCh37 (hg19) VCF-style: chr7-83610766-C-T.
Other names: short protein forms G508E.
Identifiers: ClinVar variation 3350438 (VCV003350438.2).